The following is an entry in ClinVar:

ClinVar aggregate classification (germline): Likely pathogenic (1 of 4 stars; one submission).

Conditions:
Oculotrichoanal syndrome (MOTA). Also called: MARLES SYNDROME; Manitoba Oculotrichoanal (MOTA) Syndrome. Identifiers: Orphanet 2717, MedGen C1855425, MONDO:0009560, OMIM 248450.
Trigonocephaly 2 (TRIGNO2). Identifiers: Orphanet 3366, MedGen C3280974, MONDO:0013774, OMIM 614485.
BNAR syndrome. Also called: Bifid Nose With or Without Anorectal and Renal Anomalies (BNAR) Syndrome. Identifiers: Orphanet 217266, MedGen C2750433, MONDO:0012165, OMIM 608980.

gnomAD v4.1: 8 of 1,613,882 alleles (0.0005%); highest among the groups gnomAD compares: Middle Eastern, 0.016%; no homozygotes.

Submission:

Juno Genomics, Hangzhou Juno Genomics, Inc
Classification: Likely pathogenic for Trigonocephaly 2; BNAR syndrome; Oculotrichoanal syndrome. Review status: criteria provided, single submitter. Criteria: ACMG Guidelines, 2015. Collection method: clinical testing. Allele origin: germline.
Comment: Null variant in a gene where loss of function (LOF) is a known mechanism of disease.;Absent from controls (or at extremely low frequency if recessive) in Genome Aggregation Database.

NM_001379081.2(FREM1):c.1636C>T (p.Arg546Ter)

Gene: FREM1 (FRAS1 related extracellular matrix 1; minus strand). Cytogenetic location: 9p22.3.
Variant type: single nucleotide variant.
Coding change: c.1636C>T on transcript NM_001379081.2 (MANE Select); coding-DNA position 1636, C replaced by T.
Protein change: p.Arg546Ter; replaces arginine 546 with a stop codon.
Molecular consequence: nonsense. On other transcripts: non-coding transcript variant (2).
Genome position (GRCh38, 1-based): chr9:14,842,418, G>A on the plus strand (C>T on the coding strand, the complement: FREM1 is on the minus strand). VCF-style: chr9-14842418-G-A. GRCh37 (hg19) VCF-style: chr9-14842416-G-A.
Other names: c.1636C>T, p.Arg546Ter (NM_144966.7); short protein forms R546*.
Identifiers: ClinVar variation 5007427 (VCV005007427.2).